The following is an entry in ClinVar:

NM_002225.5(IVD):c.337G>C (p.Glu113Gln)

Gene: IVD (isovaleryl-CoA dehydrogenase; plus strand). Cytogenetic location: 15q15.1.
Variant type: single nucleotide variant.
Coding change: c.337G>C on transcript NM_002225.5 (MANE Select); coding-DNA position 337, G replaced by C.
Protein change: p.Glu113Gln; replaces glutamic acid 113 with glutamine.
Molecular consequence: missense variant. On other transcripts: non-coding transcript variant (1).
Genome position (GRCh38, 1-based): chr15:40,410,678, G>C. VCF-style: chr15-40410678-G-C. GRCh37 (hg19) VCF-style: chr15-40702877-G-C.
Other names: c.247G>C, p.Glu83Gln (NM_001159508.3); c.289G>C, p.Glu97Gln (NM_001354597.3); c.337G>C, p.Glu113Gln (NM_001354598.3, NM_001354601.3); c.424G>C, p.Glu142Gln (NM_001354599.3, NM_001354600.3); short protein forms E113Q, E142Q, E83Q, E97Q.
Identifiers: ClinVar variation 1701251 (VCV001701251.31), dbSNP rs1232893657, ClinGen allele CA391716341.

ClinVar aggregate classification (germline): Likely pathogenic (1 of 4 stars; one submission).

Allele frequency attached by ClinVar (database versions not stated): TOPMed below 0.00001; gnomAD 0.00001.
gnomAD v4.1: 1 of 1,614,130 alleles (0.000062%); highest among the groups gnomAD compares: Non-Finnish European, 0.000085%; no homozygotes.

Submission:

CeGaT Center for Human Genetics Tuebingen
Classification: Likely pathogenic. Last evaluated: 2022-07-01. Review status: criteria provided, single submitter. Criteria: CeGaT Center For Human Genetics Tuebingen Variant Classification Criteria Version 2. Collection method: clinical testing. Allele origin: germline. Affected: yes. Observed: 1 variant allele.
Comment: IVD: PM2, PM3:Supporting, PM5:Supporting, PP3, PP4